The following is an entry in ClinVar:

ClinVar aggregate classification (germline): Pathogenic (1 of 4 stars; one submission).

Submission:

Labcorp Genetics (formerly Invitae), Labcorp
Classification: Pathogenic. Last evaluated: 2022-03-04. Review status: criteria provided, single submitter. Criteria: Invitae Variant Classification Sherloc (09022015). Collection method: clinical testing. Allele origin: germline.
Comment: This sequence change creates a premature translational stop signal (p.Leu638*) in the LPIN1 gene. It is expected to result in an absent or disrupted protein product. Loss-of-function variants in LPIN1 are known to be pathogenic (PMID: 18817903, 20583302, 22481384, 26111941). This variant is not present in population databases (gnomAD no frequency). This variant has not been reported in the literature in individuals affected with LPIN1-related conditions. Algorithms developed to predict the effect of sequence changes on RNA splicing suggest that this variant may disrupt the consensus splice site. For these reasons, this variant has been classified as Pathogenic.

Literature cited by the submitters: PubMed 18817903; PubMed 20583302; PubMed 22481384; PubMed 26111941.

NM_001349206.2(LPIN1):c.2019_2025del (p.Ser673_Leu674insTer)

Gene: LPIN1 (lipin 1; plus strand). Cytogenetic location: 2p25.1.
Variant type: Deletion.
Coding change: c.2019_2025del on transcript NM_001349206.2 (MANE Select); coding-DNA positions 2019 to 2025, 7 bases deleted (CTTGAAG; older notation c.2019_2025delCTTGAAG).
Protein change: p.Ser673_Leu674insTer.
Molecular consequence: frameshift variant. On other transcripts: non-coding transcript variant (1).
Genome position (GRCh38, 1-based): chr2:11,804,428-11,804,434, CTTGAAG deleted; deleting any 7 consecutive bases within chr2:11,804,425-11,804,434 gives the same sequence; the c. name uses the placement nearest the transcript's 3' end. VCF-style (leftmost placement, unchanged base first): chr2-11804424-AAAGCTTG-A. GRCh37 (hg19) VCF-style: chr2-11944550-AAAGCTTG-A.
Other names: c.1929_1935del, p.Ser643_Leu644insTer (NM_001261427.3); c.2166_2172del, p.Ser722_Leu723insTer (NM_001261428.3); c.1911_1917del, p.Ser637_Leu638insTer (NM_001349199.2, NM_145693.4); c.1989_1995del, p.Ser663_Leu664insTer (NM_001349200.2, NM_001349201.2); c.2016_2022del, p.Ser672_Leu673insTer (NM_001349202.2, NM_001349203.2); c.2019_2025del, p.Ser673_Leu674insTer (NM_001349204.2, NM_001349205.2); c.2109_2115del, p.Ser703_Leu704insTer (NM_001349207.2); c.2058_2064del, p.Ser686_Leu687insTer (NM_001349208.2).
Identifiers: ClinVar variation 2106824 (VCV002106824.4), dbSNP rs2546211394, ClinGen allele CA2580063601.